The following is an entry in ClinVar:

ClinVar aggregate classification (germline): Benign. Review status: criteria provided, multiple submitters, no conflicts (2 of 4 stars). 3 submissions from 3 submitters: Benign (3). Last evaluated 2026-01-28.

Conditions:
Retinal disorder. Also called: Retinopathies; Retinal Diseases; Retinal disorders; Retinopathy. Identifiers: MedGen C0035309, MONDO:0005283, HP:0000488.

Allele frequency attached by ClinVar (database versions not stated): 1000 Genomes Project 0.00100; 1000 Genomes Project 30x 0.00109; TOPMed 0.00221; ESP Exome Variant Server 0.00223; ExAC 0.00343; gnomAD 0.00354 and 0.00367; gnomAD exomes 0.00389.
gnomAD v4.1: 6,960 of 1,614,024 alleles (0.43%); highest among the groups gnomAD compares: Non-Finnish European, 0.45%; 31 homozygotes.

Submissions (3):

Labcorp Genetics (formerly Invitae), Labcorp
Classification: Benign. Last evaluated: 2026-01-28. Review status: criteria provided, single submitter. Criteria: Invitae Variant Classification Sherloc (09022015). Collection method: clinical testing. Allele origin: germline.

Genetics Laboratory, Great Ormond Street Hospital NHS Foundation Trust, North Thames Genomic Laboratory Hub
Classification: Benign for Retinal disorders. Last evaluated: 2024-09-16. Review status: criteria provided, single submitter. Criteria: ACGS Best Practice Guidelines for Variant Classification in Rare Disease 2024 v1.2. Collection method: clinical testing. Allele origin: germline. Affected: yes.
Comment: BS1_strong, BS2_strong, BP4_supporting

Breakthrough Genomics
Classification: Benign. Review status: criteria provided, single submitter. Criteria: ACMG Guidelines, 2015. Collection method: not provided. Allele origin: germline. Inheritance: Autosomal recessive inheritance. Affected: yes.

NM_007348.4(ATF6):c.833C>T (p.Ala278Val)

Gene: ATF6 (activating transcription factor 6; plus strand). Cytogenetic location: 1q23.3.
Variant type: single nucleotide variant.
Coding change: c.833C>T on transcript NM_007348.4 (MANE Select); coding-DNA position 833, C replaced by T.
Protein change: p.Ala278Val; replaces alanine 278 with valine.
Molecular consequence: missense variant.
Genome position (GRCh38, 1-based): chr1:161,802,196, C>T. VCF-style: chr1-161802196-C-T. GRCh37 (hg19) VCF-style: chr1-161771986-C-T.
Other names: short protein forms A278V.
Identifiers: ClinVar variation 718142 (VCV000718142.12), dbSNP rs138997959, ClinGen allele CA1214296.